The following is an entry in ClinVar:

NM_020778.5(ALPK3):c.2807G>A (p.Cys936Tyr)

Gene: ALPK3 (alpha kinase 3; plus strand). Cytogenetic location: 15q25.3.
Variant type: single nucleotide variant.
Coding change: c.2807G>A on transcript NM_020778.5 (MANE Select); coding-DNA position 2807, G replaced by A.
Protein change: p.Cys936Tyr; replaces cysteine 936 with tyrosine.
Molecular consequence: missense variant.
Genome position (GRCh38, 1-based): chr15:84,857,545, G>A. VCF-style: chr15-84857545-G-A. GRCh37 (hg19) VCF-style: chr15-85400776-G-A.
Other names: short protein forms C936Y.
Identifiers: ClinVar variation 1464603 (VCV001464603.9), dbSNP rs777884466, ClinGen allele CA7709497.

ClinVar aggregate classification (germline): Uncertain significance. Review status: criteria provided, multiple submitters, no conflicts (2 of 4 stars). 2 submissions from 2 submitters: Uncertain significance (2). Last evaluated 2025-12-21.

Conditions:
Cardiovascular phenotype. Identifiers: MedGen CN230736.

Allele frequency attached by ClinVar (database versions not stated): ExAC 0.00001; gnomAD exomes 0.00001.
gnomAD v4.1: 14 of 1,586,266 alleles (0.00088%); highest among the groups gnomAD compares: Non-Finnish European, 0.0012%; no homozygotes.

Submissions (2):

Labcorp Genetics (formerly Invitae), Labcorp
Classification: Uncertain significance. Last evaluated: 2025-12-21. Review status: criteria provided, single submitter. Criteria: Invitae Variant Classification Sherloc (09022015). Collection method: clinical testing. Allele origin: germline.
Comment: This sequence change replaces cysteine, which is neutral and slightly polar, with tyrosine, which is neutral and polar, at codon 1138 of the ALPK3 protein (p.Cys1138Tyr). This variant is present in population databases (rs777884466, gnomAD 0.001%). This variant has not been reported in the literature in individuals affected with ALPK3-related conditions. ClinVar contains an entry for this variant (Variation ID: 1464603). Invitae Evidence Modeling of protein sequence and biophysical properties (such as structural, functional, and spatial information, amino acid conservation, physicochemical variation, residue mobility, and thermodynamic stability) indicates that this missense variant is expected to disrupt ALPK3 protein function with a positive predictive value of 80%. In summary, the available evidence is currently insufficient to determine the role of this variant in disease. Therefore, it has been classified as a Variant of Uncertain Significance.

Ambry Genetics
Classification: Uncertain significance for Cardiovascular phenotype. Last evaluated: 2025-08-06. Review status: criteria provided, single submitter. Criteria: Ambry Variant Classification Scheme 2023. Collection method: clinical testing. Allele origin: germline.
Comment: The p.C1138Y variant (also known as c.3413G>A), located in coding exon 6 of the ALPK3 gene, results from a G to A substitution at nucleotide position 3413. The cysteine at codon 1138 is replaced by tyrosine, an amino acid with highly dissimilar properties. This amino acid position is well conserved in available vertebrate species. In addition, this alteration is predicted to be tolerated by in silico analysis. Since supporting evidence is limited at this time, the clinical significance of this alteration remains unclear.